The following is an entry in ClinVar:

NM_015072.5(TTLL5):c.2265T>G (p.Phe755Leu)

Gene: TTLL5 (tubulin tyrosine ligase like 5; plus strand). Cytogenetic location: 14q24.3.
Variant type: single nucleotide variant.
Coding change: c.2265T>G on transcript NM_015072.5 (MANE Select); coding-DNA position 2265, T replaced by G.
Protein change: p.Phe755Leu; replaces phenylalanine 755 with leucine.
Molecular consequence: missense variant.
Genome position (GRCh38, 1-based): chr14:75,775,612, T>G. VCF-style: chr14-75775612-T-G. GRCh37 (hg19) VCF-style: chr14-76241955-T-G.
Other names: short protein forms F755L.
Identifiers: ClinVar variation 1004837 (VCV001004837.8), dbSNP rs745316288, ClinGen allele CA7279657.

ClinVar aggregate classification (germline): Uncertain significance (1 of 4 stars; one submission).

Allele frequency attached by ClinVar (database versions not stated): gnomAD exomes below 0.00001; ExAC 0.00001; gnomAD 0.00002; TOPMed 0.00005.
gnomAD v4.1: 4 of 1,613,980 alleles (0.00025%); highest among the groups gnomAD compares: African/African-American, 0.0053%; no homozygotes.

Submission:

Labcorp Genetics (formerly Invitae), Labcorp
Classification: Uncertain significance. Last evaluated: 2022-03-10. Review status: criteria provided, single submitter. Criteria: Invitae Variant Classification Sherloc (09022015). Collection method: clinical testing. Allele origin: germline.
Comment: In summary, the available evidence is currently insufficient to determine the role of this variant in disease. Therefore, it has been classified as a Variant of Uncertain Significance. Algorithms developed to predict the effect of missense changes on protein structure and function are either unavailable or do not agree on the potential impact of this missense change (SIFT: "Deleterious"; PolyPhen-2: "Probably Damaging"; Align-GVGD: "Class C15"). ClinVar contains an entry for this variant (Variation ID: 1004837). This variant has not been reported in the literature in individuals affected with TTLL5-related conditions. This variant is present in population databases (rs745316288, gnomAD 0.007%). This sequence change replaces phenylalanine, which is neutral and non-polar, with leucine, which is neutral and non-polar, at codon 755 of the TTLL5 protein (p.Phe755Leu).